The following is an entry in ClinVar:

NM_001401501.2(MUC16):c.35019A>T (p.Ser11673=)

Gene: MUC16 (mucin 16, cell surface associated; minus strand). Cytogenetic location: 19p13.2.
Variant type: single nucleotide variant.
Coding change: c.35019A>T on transcript NM_001401501.2 (MANE Select); coding-DNA position 35019, A replaced by T.
Protein change: p.Ser11673=; no amino-acid change (serine 11673 retained).
Molecular consequence: synonymous variant.
Genome position (GRCh38, 1-based): chr19:8,936,056, T>A on the plus strand (A>T on the coding strand, the complement: MUC16 is on the minus strand). VCF-style: chr19-8936056-T-A. GRCh37 (hg19) VCF-style: chr19-9046732-T-A.
Other names: c.35445A>T, p.Ser11815= (NM_001414686.1); c.34899A>T, p.Ser11633= (NM_001414687.1, NM_024690.2).
Identifiers: ClinVar variation 2649229 (VCV002649229.24), dbSNP rs2512906952, ClinGen allele CA505433395.

ClinVar aggregate classification (germline): Likely benign (1 of 4 stars; one submission).

Submission:

CeGaT Center for Human Genetics Tuebingen
Classification: Likely benign. Last evaluated: 2023-08-01. Review status: criteria provided, single submitter. Criteria: CeGaT Center For Human Genetics Tuebingen Variant Classification Criteria Version 2. Collection method: clinical testing. Allele origin: germline. Affected: yes. Observed: 1 variant allele.
Comment: MUC16: PM2:Supporting, BP4, BP7